The following is an entry in ClinVar:

ClinVar aggregate classification (germline): Uncertain significance. Review status: criteria provided, multiple submitters, no conflicts (2 of 4 stars). 2 submissions from 2 submitters: Uncertain significance (2). Last evaluated 2025-07-03.

Conditions:
Rhabdoid tumor predisposition syndrome 2 (RTPS2). Identifiers: Orphanet 231108, Orphanet 69077, MedGen C2750074, MONDO:0013224, OMIM 613325.

gnomAD v4.1: 1 of 1,576,942 alleles (0.000063%); no homozygotes.

Submissions (2):

GeneDx
Classification: Uncertain significance. Last evaluated: 2025-07-03. Review status: criteria provided, single submitter. Criteria: GeneDx Variant Classification Process June 2021. Collection method: clinical testing. Allele origin: germline. Affected: yes.
Comment: Not observed at significant frequency in large population cohorts (gnomAD); In silico analysis supports that this missense variant has a deleterious effect on protein structure/function; Has not been previously published as pathogenic or benign to our knowledge; This variant is associated with the following publications: (PMID: 24658002)

Labcorp Genetics (formerly Invitae), Labcorp
Classification: Uncertain significance for Rhabdoid tumor predisposition syndrome 2. Last evaluated: 2020-11-05. Review status: criteria provided, single submitter. Criteria: Invitae Variant Classification Sherloc (09022015). Collection method: clinical testing. Allele origin: germline.
Comment: This sequence change replaces proline with leucine at codon 197 of the SMARCA4 protein (p.Pro197Leu). The proline residue is highly conserved and there is a moderate physicochemical difference between proline and leucine. This variant is not present in population databases (ExAC no frequency). This variant has not been reported in the literature in individuals with SMARCA4-related conditions. Algorithms developed to predict the effect of missense changes on protein structure and function (SIFT, PolyPhen-2, Align-GVGD) all suggest that this variant is likely to be disruptive, but these predictions have not been confirmed by published functional studies and their clinical significance is uncertain. In summary, the available evidence is currently insufficient to determine the role of this variant in disease. Therefore, it has been classified as a Variant of Uncertain Significance.

NM_003072.5(SMARCA4):c.590C>T (p.Pro197Leu)

Gene: SMARCA4 (SWI/SNF related BAF chromatin remodeling complex subunit ATPase 4; plus strand). Cytogenetic location: 19p13.2.
Variant type: single nucleotide variant.
Coding change: c.590C>T on transcript NM_003072.5 (MANE Select); coding-DNA position 590, C replaced by T.
Protein change: p.Pro197Leu; replaces proline 197 with leucine.
Molecular consequence: missense variant. On other transcripts: non-coding transcript variant (1).
Genome position (GRCh38, 1-based): chr19:10,986,423, C>T. VCF-style: chr19-10986423-C-T. GRCh37 (hg19) VCF-style: chr19-11097099-C-T.
Other names: c.590C>T, p.Pro197Leu (NM_001128844.3, NM_001128845.2, NM_001128846.2 and 5 more transcripts); c.590C>T (NM_001128849.1); short protein forms P197L.
Identifiers: ClinVar variation 1464057 (VCV001464057.9), dbSNP rs988231473, ClinGen allele CA305286778.